The following is an entry in ClinVar:

NM_022124.6(CDH23):c.4451C>T (p.Pro1484Leu)

Gene: CDH23 (cadherin related 23; plus strand). Cytogenetic location: 10q22.1.
Variant type: single nucleotide variant.
Coding change: c.4451C>T on transcript NM_022124.6 (MANE Select); coding-DNA position 4451, C replaced by T.
Protein change: p.Pro1484Leu; replaces proline 1484 with leucine.
Molecular consequence: missense variant.
Genome position (GRCh38, 1-based): chr10:71,739,735, C>T. VCF-style: chr10-71739735-C-T. GRCh37 (hg19) VCF-style: chr10-73499492-C-T.
Other names: short protein forms P1484L.
Identifiers: ClinVar variation 300434 (VCV000300434.21), dbSNP rs371145622, ClinGen allele CA5545050.

ClinVar aggregate classification (germline): Conflicting classifications of pathogenicity. Review status: criteria provided, conflicting classifications (1 of 4 stars). 6 submissions from 5 submitters: Uncertain significance (2); Likely benign (4). Last evaluated 2026-06-17.

Conditions:
Autosomal recessive nonsyndromic hearing loss 12. Also called: DEAFNESS, AUTOSOMAL RECESSIVE 12. Identifiers: Orphanet 90636, MedGen C1832394, MONDO:0011067, OMIM 601386.
CDH23-related disorder. Also called: CDH23-related condition; CDH23-related disorders.
Usher syndrome type 1D (USH1D). Also called: USHER SYNDROME, TYPE ID. Identifiers: Orphanet 231169, Orphanet 886, MedGen C1832845, MONDO:0010984, OMIM 601067.

Allele frequency attached by ClinVar (database versions not stated): gnomAD 0.00005; gnomAD exomes 0.00007 and 0.00016; ESP Exome Variant Server 0.00008; TOPMed 0.00008; ExAC 0.00011.
gnomAD v4.1: 117 of 1,613,122 alleles (0.0073%); highest among the groups gnomAD compares: Middle Eastern, 0.13%; no homozygotes.

Submissions (6):

PreventionGenetics, part of Exact Sciences
Classification: Likely benign for CDH23-related condition. Last evaluated: 2026-06-17. Review status: criteria provided, single submitter. Criteria: ACMG Guidelines, 2015. Collection method: clinical testing. Allele origin: germline.
Comment: This variant is classified as likely benign based on ACMG/AMP sequence variant interpretation guidelines (Richards et al. 2015 PMID: 25741868, with internal and published modifications).

Labcorp Genetics (formerly Invitae), Labcorp
Classification: Likely benign. Last evaluated: 2026-01-26. Review status: criteria provided, single submitter. Criteria: Invitae Variant Classification Sherloc (09022015). Collection method: clinical testing. Allele origin: germline.

Blueprint Genetics
Classification: Likely benign. Last evaluated: 2024-09-03. Review status: criteria provided, single submitter. Criteria: ACMG Guidelines, 2015. Collection method: clinical testing. Allele origin: germline.

Laboratory for Molecular Medicine, Mass General Brigham Personalized Medicine
Classification: Likely benign. Last evaluated: 2019-08-28. Review status: criteria provided, single submitter. Criteria: LMM Criteria. Collection method: clinical testing. Allele origin: germline. Observed: 1 variant allele.
Comment: The p.Pro1484Leu variant in CDH23 is classified as likely benign because it has been identified in 0.2% (22/10316) of Ashkenazi Jewish chromosomes by gnomAD, and computational prediction tools predict that this variant does not impact the protein. ACMG/AMP Criteria applied: BS1_Supporting, BP4.

Illumina Laboratory Services, Illumina
Classification: Uncertain significance for Usher syndrome type 1D. Last evaluated: 2018-01-12. Review status: criteria provided, single submitter. Criteria: ICSL Variant Classification Criteria 13 December 2019. Collection method: clinical testing. Allele origin: germline.

Illumina Laboratory Services, Illumina
Classification: Uncertain significance for Autosomal recessive nonsyndromic hearing loss 12. Last evaluated: 2018-01-12. Review status: criteria provided, single submitter. Criteria: ICSL Variant Classification Criteria 13 December 2019. Collection method: clinical testing. Allele origin: germline.

Literature cited by the submitters: PubMed 26633542 (cited by Laboratory for Molecular Medicine, Mass General Brigham Personalized Medicine).